The following is an entry in ClinVar:

ClinVar aggregate classification (germline): Uncertain significance (1 of 4 stars; one submission).

Conditions:
Inborn genetic diseases. Identifiers: MedGen C0950123, MeSH D030342.

Allele frequency attached by ClinVar (database versions not stated): gnomAD exomes below 0.00001; gnomAD 0.00001.
gnomAD v4.1: 7 of 1,613,446 alleles (0.00043%); highest among the groups gnomAD compares: Non-Finnish European, 0.00059%; no homozygotes.

Submission:

Ambry Genetics
Classification: Uncertain significance for Inborn genetic diseases. Last evaluated: 2024-07-11. Review status: criteria provided, single submitter. Criteria: Ambry Variant Classification Scheme 2023. Collection method: clinical testing. Allele origin: germline.
Comment: The p.S598A variant (also known as c.1792T>G), located in coding exon 19 of the ERCC2 gene, results from a T to G substitution at nucleotide position 1792. The serine at codon 598 is replaced by alanine, an amino acid with similar properties. This amino acid position is conserved. In addition, the in silico prediction for this alteration is inconclusive. Since supporting evidence is limited at this time, the clinical significance of this alteration remains unclear.

NM_000400.4(ERCC2):c.1792T>G (p.Ser598Ala)

Gene: ERCC2 (ERCC excision repair 2, TFIIH core complex helicase subunit; minus strand). Cytogenetic location: 19q13.32.
Variant type: single nucleotide variant.
Coding change: c.1792T>G on transcript NM_000400.4 (MANE Select); coding-DNA position 1792, T replaced by G.
Protein change: p.Ser598Ala; replaces serine 598 with alanine.
Molecular consequence: missense variant.
Genome position (GRCh38, 1-based): chr19:45,353,122, A>C on the plus strand (T>G on the coding strand, the complement: ERCC2 is on the minus strand). VCF-style: chr19-45353122-A-C. GRCh37 (hg19) VCF-style: chr19-45856380-A-C.
Other names: short protein forms S598A.
Identifiers: ClinVar variation 1780214 (VCV001780214.3), dbSNP rs1277236046, ClinGen allele CA406364183.